The following is an entry in ClinVar:

ClinVar aggregate classification (germline): Uncertain significance (1 of 4 stars; one submission).

Conditions:
Bailey-Bloch congenital myopathy (CMYO13). Also called: Congenital myopathy 13; STAC3 disorder; Native American myopathy. Identifiers: Orphanet 168572, MedGen C1850625, MONDO:0009722, OMIM 255995.

Allele frequency attached by ClinVar (database versions not stated): gnomAD 0.00003.
gnomAD v4.1: 7 of 1,613,934 alleles (0.00043%); highest among the groups gnomAD compares: African/African-American, 0.008%; no homozygotes.

Submission:

Labcorp Genetics (formerly Invitae), Labcorp
Classification: Uncertain significance for Bailey-Bloch congenital myopathy. Last evaluated: 2022-05-18. Review status: criteria provided, single submitter. Criteria: Invitae Variant Classification Sherloc (09022015). Collection method: clinical testing. Allele origin: germline.
Comment: This sequence change replaces arginine, which is basic and polar, with leucine, which is neutral and non-polar, at codon 19 of the STAC3 protein (p.Arg19Leu). This variant is present in population databases (rs748836499, gnomAD 0.02%). This variant has not been reported in the literature in individuals affected with STAC3-related conditions. Algorithms developed to predict the effect of missense changes on protein structure and function (SIFT, PolyPhen-2, Align-GVGD) all suggest that this variant is likely to be tolerated. In summary, the available evidence is currently insufficient to determine the role of this variant in disease. Therefore, it has been classified as a Variant of Uncertain Significance.

NM_145064.3(STAC3):c.56G>T (p.Arg19Leu)

Gene: STAC3 (SH3 and cysteine rich domain 3; minus strand). Cytogenetic location: 12q13.3.
Variant type: single nucleotide variant.
Coding change: c.56G>T on transcript NM_145064.3 (MANE Select); coding-DNA position 56, G replaced by T.
Protein change: p.Arg19Leu; replaces arginine 19 with leucine.
Molecular consequence: missense variant. On other transcripts: intron variant (2).
Genome position (GRCh38, 1-based): chr12:57,249,581, C>A on the plus strand (G>T on the coding strand, the complement: STAC3 is on the minus strand). VCF-style: chr12-57249581-C-A. GRCh37 (hg19) VCF-style: chr12-57643364-C-A.
Other names: c.-126-1383G>T (NM_001286257.2); c.-51-273G>T (NM_001286256.2); short protein forms R19L.
Identifiers: ClinVar variation 1963724 (VCV001963724.2), dbSNP rs748836499, ClinGen allele CA6647279.
Genomic context (GRCh38, chr12:57,249,581, plus strand): 5'-GTAATGGCTTCCCAGCCCCCCACACCCAGTGGTCAGAGGCCCAGACTCACCCCACTTTGC[C>A]GAGTCTCTGCTGGGAAGGAGGGCTTAGGGGACTCCAGCACCTCCTTTTCTGTCATCCTGC-3'
Protein context (NP_659501.1, residues 9-29): SPKPSFPAET[Arg19Leu]QSGLQRLKQL